The following is an entry in ClinVar:

NM_006767.4(LZTR1):c.2352_2353dup (p.Ala785fs)

Gene: LZTR1 (leucine zipper like post translational regulator 1; plus strand). Cytogenetic location: 22q11.21.
Variant type: Duplication.
Coding change: c.2352_2353dup on transcript NM_006767.4 (MANE Select); coding-DNA positions 2352 to 2353, 2 bases duplicated (GG; older notation c.2352_2353dupGG).
Protein change: p.Ala785fs; shifts the reading frame from alanine 785.
Molecular consequence: frameshift variant.
Genome position (GRCh38, 1-based): chr22:20,996,912-20,996,913, GG duplicated. VCF-style (leftmost placement, unchanged base first): chr22-20996911-A-AGG. GRCh37 (hg19) VCF-style: chr22-21351200-A-AGG.
Other names: short protein forms A785fs.
Identifiers: ClinVar variation 4715056 (VCV004715056.1).

ClinVar aggregate classification (germline): Pathogenic (1 of 4 stars; one submission).

Submission:

Labcorp Genetics (formerly Invitae), Labcorp
Classification: Pathogenic. Last evaluated: 2025-03-13. Review status: criteria provided, single submitter. Criteria: Invitae Variant Classification Sherloc (09022015). Collection method: clinical testing. Allele origin: germline.
Comment: This sequence change creates a premature translational stop signal (p.Ala785Glyfs*5) in the LZTR1 gene. While this is not anticipated to result in nonsense mediated decay, it is expected to disrupt the last 56 amino acid(s) of the LZTR1 protein. This variant is not present in population databases (gnomAD no frequency). This variant has not been reported in the literature in individuals affected with LZTR1-related conditions. Algorithms developed to predict the effect of sequence changes on RNA splicing suggest that this variant may disrupt the consensus splice site. This variant disrupts a region of the LZTR1 protein in which other variant(s) (p.Leu806Trp) have been determined to be pathogenic (internal data). This suggests that this is a clinically significant region of the protein, and that variants that disrupt it are likely to be disease-causing. For these reasons, this variant has been classified as Pathogenic.